The following is an entry in ClinVar:

NM_001366385.1(CARD14):c.1895A>G (p.Glu632Gly)

Genes: SGSH (N-sulfoglucosamine sulfohydrolase; minus strand), CARD14 (caspase recruitment domain family member 14; plus strand). Cytogenetic location: 17q25.3.
Variant type: single nucleotide variant.
Coding change: c.1895A>G on transcript NM_001366385.1 (MANE Select); coding-DNA position 1895, A replaced by G.
Protein change: p.Glu632Gly; replaces glutamic acid 632 with glycine.
Molecular consequence: missense variant. On other transcripts: non-coding transcript variant (1).
Genome position (GRCh38, 1-based): chr17:80,201,787, A>G. VCF-style: chr17-80201787-A-G. GRCh37 (hg19) VCF-style: chr17-78175586-A-G.
Other names: c.1895A>G, p.Glu632Gly (NM_001257970.1, NM_024110.4); short protein forms E632G.
Identifiers: ClinVar variation 2162766 (VCV002162766.4), dbSNP rs2510711914, ClinGen allele CA401352479.

ClinVar aggregate classification (germline): Uncertain significance (1 of 4 stars; one submission).

Conditions:
Pityriasis rubra pilaris (PRP). Also called: Pityriasis rubra pilaris--familial type. Identifiers: Orphanet 2897, MedGen C0032027, MONDO:0100017, OMIM 173200, MONDO:0008251.
Psoriasis 2. Identifiers: MedGen C1864497, MONDO:0011269, OMIM 602723.

Allele frequency attached by ClinVar (database versions not stated): gnomAD exomes below 0.00001.

Submission:

Labcorp Genetics (formerly Invitae), Labcorp
Classification: Uncertain significance for Pityriasis rubra pilaris; Psoriasis 2. Last evaluated: 2025-07-21. Review status: criteria provided, single submitter. Criteria: Invitae Variant Classification Sherloc (09022015). Collection method: clinical testing. Allele origin: germline.
Comment: This sequence change replaces glutamic acid, which is acidic and polar, with glycine, which is neutral and non-polar, at codon 632 of the CARD14 protein (p.Glu632Gly). This variant is not present in population databases (gnomAD no frequency). This variant has not been reported in the literature in individuals affected with CARD14-related conditions. ClinVar contains an entry for this variant (Variation ID: 2162766). Invitae Evidence Modeling of protein sequence and biophysical properties (such as structural, functional, and spatial information, amino acid conservation, physicochemical variation, residue mobility, and thermodynamic stability) indicates that this missense variant is not expected to disrupt CARD14 protein function with a negative predictive value of 95%. In summary, the available evidence is currently insufficient to determine the role of this variant in disease. Therefore, it has been classified as a Variant of Uncertain Significance.